The following is an entry in ClinVar:

ClinVar aggregate classification (germline): Conflicting classifications of pathogenicity. Review status: criteria provided, conflicting classifications (1 of 4 stars). 2 submissions from 2 submitters: Uncertain significance (1); Likely benign (1). Last evaluated 2025-06-13.

Conditions:
Inborn genetic diseases. Identifiers: MedGen C0950123, MeSH D030342.
Trichorhinophalangeal dysplasia type I (TRPS1). Also called: TRICHORHINOPHALANGEAL SYNDROME, TYPE I; TRPS I. Identifiers: Orphanet 77258, MedGen C0432233, MONDO:0008596, OMIM 190350.
Trichorhinophalangeal syndrome, type III (TRPS3). Also called: SUGIO-KAJII SYNDROME. Identifiers: Orphanet 77258, MedGen C1860823, OMIM 190351, MONDO:0008597.

Allele frequency attached by ClinVar (database versions not stated): ExAC 0.00005; gnomAD 0.00005; TOPMed 0.00005; ESP Exome Variant Server 0.00008.
gnomAD v4.1: 61 of 1,613,902 alleles (0.0038%); highest among the groups gnomAD compares: African/African-American, 0.011%; no homozygotes.

Submissions (2):

Labcorp Genetics (formerly Invitae), Labcorp
Classification: Uncertain significance for Trichorhinophalangeal syndrome, type III; Trichorhinophalangeal dysplasia type I. Last evaluated: 2025-06-13. Review status: criteria provided, single submitter. Criteria: Invitae Variant Classification Sherloc (09022015). Collection method: clinical testing. Allele origin: germline.
Comment: This sequence change replaces glycine, which is neutral and non-polar, with arginine, which is basic and polar, at codon 473 of the TRPS1 protein (p.Gly473Arg). This variant is present in population databases (rs377192542, gnomAD 0.02%). This variant has not been reported in the literature in individuals affected with TRPS1-related conditions. ClinVar contains an entry for this variant (Variation ID: 2923827). Invitae Evidence Modeling of protein sequence and biophysical properties (such as structural, functional, and spatial information, amino acid conservation, physicochemical variation, residue mobility, and thermodynamic stability) indicates that this missense variant is not expected to disrupt TRPS1 protein function with a negative predictive value of 80%. In summary, the available evidence is currently insufficient to determine the role of this variant in disease. Therefore, it has been classified as a Variant of Uncertain Significance.

Ambry Genetics
Classification: Likely benign for Inborn genetic diseases. Last evaluated: 2023-12-14. Review status: criteria provided, single submitter. Criteria: Ambry Variant Classification Scheme 2023. Collection method: clinical testing. Allele origin: germline.

NM_014112.5(TRPS1):c.1417G>A (p.Gly473Arg)

Gene: TRPS1 (transcriptional repressor GATA binding 1; minus strand). Cytogenetic location: 8q23.3.
Variant type: single nucleotide variant.
Coding change: c.1417G>A on transcript NM_014112.5 (MANE Select); coding-DNA position 1417, G replaced by A.
Protein change: p.Gly473Arg; replaces glycine 473 with arginine.
Molecular consequence: missense variant.
Genome position (GRCh38, 1-based): chr8:115,604,552, C>T on the plus strand (G>A on the coding strand, the complement: TRPS1 is on the minus strand). VCF-style: chr8-115604552-C-T. GRCh37 (hg19) VCF-style: chr8-116616779-C-T.
Other names: c.1390G>A, p.Gly464Arg (NM_001282902.3); c.1396G>A, p.Gly466Arg (NM_001282903.3); c.1378G>A, p.Gly460Arg (NM_001330599.2); c.1417G>A (NM_014112.2); short protein forms G460R, G464R, G473R, G466R.
Identifiers: ClinVar variation 2923827 (VCV002923827.4), dbSNP rs377192542, ClinGen allele CA4851831.
Genomic context (GRCh38, chr8:115,604,552, plus strand): 5'-CAGAGCCCCTGGAAAGCTTATCATTTAACTCTGGATTAAGGCCGCCTGACTGCACTGCTC[C>T]GTGCTGCTTGCCATAATGTTCTAGCAGTTTAAGTGAGCTAGATGACTCACAGCTGAAACT-3'
Protein context (NP_054831.2, residues 463-483): KLLEHYGKQH[Gly473Arg]AVQSGGLNPE